The following is an entry in ClinVar:

ClinVar aggregate classification (germline): Benign/Likely benign. Review status: criteria provided, multiple submitters, no conflicts (2 of 4 stars). 4 submissions from 4 submitters: Benign (1); Likely benign (2). 1 of the submissions does not count toward it. Last evaluated 2024-04-15.

Conditions:
Coffin-Siris syndrome. Identifiers: Orphanet 1465, MedGen C0265338, MONDO:0015452.
Inborn genetic diseases. Identifiers: MedGen C0950123, MeSH D030342.
ARID1B-Related Disorder. Identifiers: MedGen CN381337.

Allele frequency attached by ClinVar (database versions not stated): gnomAD 0.00001; TOPMed 0.00002; gnomAD exomes 0.00004.
gnomAD v4.1: 54 of 1,611,566 alleles (0.0034%); highest among the groups gnomAD compares: Non-Finnish European, 0.0046%; no homozygotes.

Submissions (4):

Labcorp Genetics (formerly Invitae), Labcorp
Classification: Benign. Last evaluated: 2024-04-15. Review status: criteria provided, single submitter. Criteria: Invitae Variant Classification Sherloc (09022015). Collection method: clinical testing. Allele origin: germline.

Ambry Genetics
Classification: Likely benign for Inborn genetic diseases. Last evaluated: 2023-01-10. Review status: criteria provided, single submitter. Criteria: Ambry Variant Classification Scheme 2023. Collection method: clinical testing. Allele origin: germline.

Department of Pathology and Laboratory Medicine, Sinai Health System
Classification: Likely benign for Coffin-Siris syndrome. Last evaluated: 2022-05-27. Review status: criteria provided, single submitter. Criteria: ACMG Guidelines, 2015. Collection method: research. Allele origin: germline.

PreventionGenetics, part of Exact Sciences
Classification: Likely benign for ARID1B-related condition. Last evaluated: 2022-02-28. Review status: no assertion criteria provided. Collection method: clinical testing. Allele origin: germline. Not counted in ClinVar's aggregate classification.
Comment: This variant is classified as likely benign based on ACMG/AMP sequence variant interpretation guidelines (Richards et al. 2015 PMID: 25741868, with internal and published modifications).

NM_001374828.1(ARID1B):c.6904C>G (p.Leu2302Val)

Gene: ARID1B (AT-rich interaction domain 1B; plus strand). Cytogenetic location: 6q25.3.
Variant type: single nucleotide variant.
Coding change: c.6904C>G on transcript NM_001374828.1 (MANE Select); coding-DNA position 6904, C replaced by G.
Protein change: p.Leu2302Val; replaces leucine 2302 with valine.
Molecular consequence: missense variant.
Genome position (GRCh38, 1-based): chr6:157,207,676, C>G. VCF-style: chr6-157207676-C-G. GRCh37 (hg19) VCF-style: chr6-157528810-C-G.
Other names: c.6655C>G, p.Leu2219Val (NM_001346813.1); c.4405C>G, p.Leu1469Val (NM_001363725.2); c.6784C>G, p.Leu2262Val (NM_001371656.1, NM_001374820.1); c.6745C>G, p.Leu2249Val (NM_017519.3); c.6535C>G, p.Leu2179Val (NM_020732.3); c.6322C>G, p.Leu2108Val (NM_175863.2); short protein forms L2219V, L2302V, L1469V, L2108V, L2262V, L2179V, L2249V.
Identifiers: ClinVar variation 2043151 (VCV002043151.9), dbSNP rs766875935, ClinGen allele CA4068074.
Genomic context (GRCh38, chr6:157,207,676, plus strand): 5'-TTGATAAGCTTCCTAGAGGATGGGGTCACGATGGCCCAGTACCAGCAGAGCCAGCACAAC[C>G]TCATGCACATGCAGCCCCCGCCCCTGGAACCACCTAGCGTAGACATGATGTGCAGGGCGG-3'
Protein context (NP_001361757.1, residues 2292-2312): MAQYQQSQHN[Leu2302Val]MHMQPPPLEP